The following is an entry in ClinVar:

NM_032608.7(MYO18B):c.2626C>T (p.Arg876Ter)

Gene: MYO18B (myosin XVIIIB; plus strand). Cytogenetic location: 22q12.1.
Variant type: single nucleotide variant.
Coding change: c.2626C>T on transcript NM_032608.7 (MANE Select); coding-DNA position 2626, C replaced by T.
Protein change: p.Arg876Ter; replaces arginine 876 with a stop codon.
Molecular consequence: nonsense.
Genome position (GRCh38, 1-based): chr22:25,823,609, C>T. VCF-style: chr22-25823609-C-T. GRCh37 (hg19) VCF-style: chr22-26219576-C-T.
Other names: c.2626C>T, p.Arg876Ter (NM_001318245.2); short protein forms R876*.
Identifiers: ClinVar variation 81924 (VCV000081924.10), dbSNP rs267606197, ClinGen allele CA10160245.

ClinVar aggregate classification (germline): Pathogenic/Likely pathogenic. Review status: criteria provided, multiple submitters, no conflicts (2 of 4 stars). 3 submissions from 3 submitters: Pathogenic (1); Likely pathogenic (2). Last evaluated 2024-03-16.

Conditions:
Klippel-Feil anomaly-myopathy-facial dysmorphism syndrome. Also called: Klippel-Feil syndrome 4, autosomal recessive, with myopathy and facial dysmorphism; Klippel-feil syndrome 4, autosomal recessive, with nemaline myopathy and facial dysmorphism. Identifiers: Orphanet 447974, MedGen C4225285, MONDO:0014689, OMIM 616549.

Allele frequency attached by ClinVar (database versions not stated): TOPMed 0.00006.
gnomAD v4.1: 35 of 1,613,824 alleles (0.0022%); highest among the groups gnomAD compares: African/African-American, 0.008%; no homozygotes.

Submissions (3):

Labcorp Genetics (formerly Invitae), Labcorp
Classification: Pathogenic. Last evaluated: 2024-03-16. Review status: criteria provided, single submitter. Criteria: Invitae Variant Classification Sherloc (09022015). Collection method: clinical testing. Allele origin: germline.
Comment: This sequence change creates a premature translational stop signal (p.Arg876*) in the MYO18B gene. It is expected to result in an absent or disrupted protein product. Loss-of-function variants in MYO18B are known to be pathogenic (PMID: 25748484, 32184166, 32637634). This variant is present in population databases (rs267606197, gnomAD 0.01%). This variant has not been reported in the literature in individuals affected with MYO18B-related conditions. ClinVar contains an entry for this variant (Variation ID: 81924). For these reasons, this variant has been classified as Pathogenic.

Dasa
Classification: Likely pathogenic for Klippel-Feil anomaly-myopathy-facial dysmorphism syndrome. Last evaluated: 2022-01-05. Review status: criteria provided, single submitter. Criteria: ACMG Guidelines, 2015. Collection method: clinical testing. Allele origin: germline. Affected: yes. Observed: 1 variant allele.
Comment: The variant creates a premature translational stop signal c.2626C>T;p.(Arg876*) in MYO18B gene. It is expected to result in an absent or disrupted protein product - PVS1.This variant is not present in population databases (rs267606197, gnomAD; ABraOM no frequency) - PM2. In summary, the currently available evidence indicates that the variant is likely pathogenic.

Baylor Genetics
Classification: Likely pathogenic for Klippel-Feil anomaly-myopathy-facial dysmorphism syndrome. Review status: criteria provided, single submitter. Criteria: ACMG Guidelines, 2015. Collection method: clinical testing. Allele origin: unknown.

Literature cited by the submitters: PubMed 25748484 (cited by Labcorp Genetics (formerly Invitae), Labcorp); PubMed 32184166 (cited by Labcorp Genetics (formerly Invitae), Labcorp); PubMed 32637634 (cited by Labcorp Genetics (formerly Invitae), Labcorp).